The following is an entry in ClinVar:

NM_001243133.2(NLRP3):c.1872C>G (p.Ser624Arg)

Gene: NLRP3 (NLR family pyrin domain containing 3; plus strand). Cytogenetic location: 1q44.
Variant type: single nucleotide variant.
Coding change: c.1872C>G on transcript NM_001243133.2 (MANE Select); coding-DNA position 1872, C replaced by G.
Protein change: p.Ser624Arg; replaces serine 624 with arginine.
Molecular consequence: missense variant.
Genome position (GRCh38, 1-based): chr1:247,425,321, C>G. VCF-style: chr1-247425321-C-G. GRCh37 (hg19) VCF-style: chr1-247588623-C-G.
Other names: c.1872C>G, p.Ser624Arg (NM_001079821.3, NM_001127461.3, NM_001127462.3 and 1 more transcripts); c.1878C>G, p.Ser626Arg (NM_004895.5); short protein forms S624R, S626R.
Identifiers: ClinVar variation 3633878 (VCV003633878.2).

ClinVar aggregate classification (germline): Uncertain significance (1 of 4 stars; one submission).

Conditions:
Cryopyrin associated periodic syndrome (CAPS). Identifiers: Orphanet 208650, MedGen C2316212, MONDO:0016168.

Submission:

Labcorp Genetics (formerly Invitae), Labcorp
Classification: Uncertain significance for Cryopyrin associated periodic syndrome. Last evaluated: 2024-02-23. Review status: criteria provided, single submitter. Criteria: Invitae Variant Classification Sherloc (09022015). Collection method: clinical testing. Allele origin: germline.
Comment: This sequence change replaces serine, which is neutral and polar, with arginine, which is basic and polar, at codon 626 of the NLRP3 protein (p.Ser626Arg). This variant is not present in population databases (gnomAD no frequency). This missense change has been observed in individual(s) with hearing loss (PMID: 35720340). Advanced modeling of protein sequence and biophysical properties (such as structural, functional, and spatial information, amino acid conservation, physicochemical variation, residue mobility, and thermodynamic stability) has been performed at Invitae for this missense variant, however the output from this modeling did not meet the statistical confidence thresholds required to predict the impact of this variant on NLRP3 protein function. In summary, the available evidence is currently insufficient to determine the role of this variant in disease. Therefore, it has been classified as a Variant of Uncertain Significance.

Literature cited by the submitters: PubMed 35720340.